The following is an entry in ClinVar:

NM_000540.3(RYR1):c.1626C>T (p.Asn542=)

Gene: RYR1 (ryanodine receptor 1; plus strand). Cytogenetic location: 19q13.2.
Variant type: single nucleotide variant.
Coding change: c.1626C>T on transcript NM_000540.3 (MANE Select); coding-DNA position 1626, C replaced by T.
Protein change: p.Asn542=; no amino-acid change (asparagine 542 retained).
Molecular consequence: synonymous variant.
Genome position (GRCh38, 1-based): chr19:38,455,500, C>T. VCF-style: chr19-38455500-C-T. GRCh37 (hg19) VCF-style: chr19-38946140-C-T.
Other names: c.1626C>T, p.Asn542= (NM_001042723.2).
Identifiers: ClinVar variation 2155305 (VCV002155305.5), dbSNP rs372678438, ClinGen allele CA062198.

ClinVar aggregate classification (germline): Likely benign. Review status: criteria provided, multiple submitters, no conflicts (2 of 4 stars). 3 submissions from 3 submitters: Likely benign (3). Last evaluated 2025-02-17.

Conditions:
RYR1-related disorder. Also called: RYR1-related disorders; RYR1-related condition. Identifiers: MedGen CN239331.
Malignant hyperthermia, susceptibility to, 1 (MHS1). Also called: Malignant hyperthermia suceptibility 1; Anesthesia related hyperthermia; Malignant hyperpyrexia; Fulminating hyperpyrexia; Pharmacogenic myopathy; RYR1-Related Malignant Hyperthermia Susceptibility. Identifiers: Orphanet 423, MedGen C2930980, MONDO:0007783, OMIM 145600.

Allele frequency attached by ClinVar (database versions not stated): ExAC 0.00001; gnomAD 0.00001; gnomAD exomes 0.00001; TOPMed 0.00001; ESP Exome Variant Server 0.00008.
gnomAD v4.1: 5 of 1,614,064 alleles (0.00031%); highest among the groups gnomAD compares: African/African-American, 0.0053%; no homozygotes.

Submissions (3):

Labcorp Genetics (formerly Invitae), Labcorp
Classification: Likely benign for RYR1-related disorder. Last evaluated: 2025-02-17. Review status: criteria provided, single submitter. Criteria: Invitae Variant Classification Sherloc (09022015). Collection method: clinical testing. Allele origin: germline.

All of Us Research Program, National Institutes of Health
Classification: Likely benign for Malignant hyperthermia, susceptibility to, 1. Last evaluated: 2023-06-26. Review status: criteria provided, single submitter. Criteria: ACMG Guidelines, 2015. Collection method: clinical testing. Allele origin: germline. Inheritance: Autosomal dominant inheritance. Observed: 1 variant allele, 1 heterozygote.
Comment: This study involves interpretation of variants in research participants for the purpose of population health screening. Participant phenotype was not available at the time of variant classification. Additional details can be found in publication PMID: 35346344, PMCID: PMC8962531

Color Diagnostics, LLC DBA Color Health
Classification: Likely benign for Malignant hyperthermia, susceptibility to, 1. Last evaluated: 2022-11-06. Review status: criteria provided, single submitter. Criteria: ACMG Guidelines, 2015. Collection method: clinical testing. Allele origin: germline.